The following is an entry in ClinVar:

NM_001290060.2(SEMA3B):c.2103T>G (p.Gly701=)

Gene: SEMA3B (semaphorin 3B; plus strand). Cytogenetic location: 3p21.31.
Variant type: single nucleotide variant.
Coding change: c.2103T>G on transcript NM_001290060.2 (MANE Select); coding-DNA position 2103, T replaced by G.
Protein change: p.Gly701=; no amino-acid change (glycine 701 retained).
Molecular consequence: synonymous variant. On other transcripts: non-coding transcript variant (1).
Genome position (GRCh38, 1-based): chr3:50,276,559, T>G. VCF-style: chr3-50276559-T-G. GRCh37 (hg19) VCF-style: chr3-50313990-T-G.
Other names: c.2100T>G, p.Gly700= (NM_001005914.3, NM_001435957.1, NM_001435958.1); c.2118T>G, p.Gly706= (NM_001290061.1); c.1074T>G, p.Gly358= (NM_001290062.2, NM_001290063.2); c.2103T>G, p.Gly701= (NM_001435956.1, NM_004636.4).
Identifiers: ClinVar variation 4995817 (VCV004995817.1).

ClinVar aggregate classification (germline): Likely benign (1 of 4 stars; one submission).

Conditions:
SEMA3B-related disorder. Also called: SEMA3B-related condition.

Submission:

PreventionGenetics, part of Exact Sciences
Classification: Likely benign for SEMA3B-related condition. Last evaluated: 2026-06-24. Review status: criteria provided, single submitter. Criteria: ACMG Guidelines, 2015. Collection method: clinical testing. Allele origin: germline.
Comment: This variant is classified as likely benign based on ACMG/AMP sequence variant interpretation guidelines (Richards et al. 2015 PMID: 25741868, with internal and published modifications).